The following is an entry in ClinVar:

NM_001330360.2(POLA1):c.1927C>A (p.His643Asn)

Gene: POLA1 (DNA polymerase alpha 1, catalytic subunit; plus strand). Cytogenetic location: Xp22.11.
Variant type: single nucleotide variant.
Coding change: c.1927C>A on transcript NM_001330360.2 (MANE Select); coding-DNA position 1927, C replaced by A.
Protein change: p.His643Asn; replaces histidine 643 with asparagine.
Molecular consequence: missense variant. On other transcripts: non-coding transcript variant (1).
Genome position (GRCh38, 1-based): chrX:24,737,628, C>A. VCF-style: chrX-24737628-C-A. GRCh37 (hg19) VCF-style: chrX-24755745-C-A.
Other names: c.1852C>A, p.His618Asn (NM_001378303.1); c.1909C>A, p.His637Asn (NM_016937.4); short protein forms H618N, H637N, H643N.
Identifiers: ClinVar variation 2499702 (VCV002499702.1), dbSNP rs2518822726, ClinGen allele CA412535055.

ClinVar aggregate classification (germline): Uncertain significance (1 of 4 stars; one submission).

Submission:

GeneDx
Classification: Uncertain significance. Last evaluated: 2022-10-20. Review status: criteria provided, single submitter. Criteria: GeneDx Variant Classification Process June 2021. Collection method: clinical testing. Allele origin: germline. Affected: yes.
Comment: Not observed at significant frequency in large population cohorts (gnomAD); In silico analysis supports that this missense variant has a deleterious effect on protein structure/function; Has not been previously published as pathogenic or benign to our knowledge